The following is an entry in ClinVar:

ClinVar aggregate classification (germline): Uncertain significance. Review status: criteria provided, multiple submitters, no conflicts (2 of 4 stars). 2 submissions from 2 submitters: Uncertain significance (2). Last evaluated 2026-03-05.

Conditions:
Acute infantile liver failure due to synthesis defect of mtDNA-encoded proteins. Also called: LIVER FAILURE, INFANTILE, TRANSIENT; Liver failure acute infantile; TRMU Deficiency. Identifiers: Orphanet 217371, MedGen C3278664, MONDO:0013111, OMIM 613070.
TRMU-related disorder. Also called: TRMU-related condition.

Allele frequency attached by ClinVar (database versions not stated): gnomAD exomes below 0.00001; ExAC 0.00001; TOPMed 0.00001; gnomAD 0.00003.
gnomAD v4.1: 10 of 1,613,234 alleles (0.00062%); highest among the groups gnomAD compares: East Asian, 0.011%; no homozygotes.

Submissions (2):

Myriad Genetics, Inc.
Classification: Uncertain significance for Acute infantile liver failure due to synthesis defect of mtDNA-encoded proteins. Last evaluated: 2026-03-05. Review status: criteria provided, single submitter. Criteria: Myriad Autosomal Dominant, Autosomal Recessive and X-Linked Classification Criteria (2023). Collection method: clinical testing. Allele origin: unknown.
Comment: NM_018006.4(TRMU):c.993C>G(F331L) is a missense variant classified as a variant of uncertain significance in the context of acute liver failure, TRMU-related. F331L has been observed in a case with relevant disease (PMID: 35535061). Relevant functional assessments of this variant are not available in the literature. F331L has been observed in referenced population frequency databases. In summary, there is insufficient evidence to classify NM_018006.4(TRMU):c.993C>G(F331L) as pathogenic or benign. Please note: this variant was assessed in the context of healthy population screening.

PreventionGenetics, part of Exact Sciences
Classification: Uncertain significance for TRMU-related condition. Last evaluated: 2023-08-14. Review status: criteria provided, single submitter. Criteria: ACMG Guidelines, 2015. Collection method: clinical testing. Allele origin: germline.
Comment: The TRMU c.993C>G variant is predicted to result in the amino acid substitution p.Phe331Leu. This variant has been reported in an individual with progressive familial intrahepatic cholestasis (Table 1, Mehta et al. 2022. PubMed ID: 35535061). This variant is reported in 0.011% of alleles in individuals of East Asian descent in gnomAD. At this time, the clinical significance of this variant is uncertain due to the absence of conclusive functional and genetic evidence.

Literature cited by the submitters: PubMed 35535061 (cited by Myriad Genetics, Inc.).

NM_018006.5(TRMU):c.993C>G (p.Phe331Leu)

Gene: TRMU (tRNA mitochondrial 2-thiouridylase; plus strand). Cytogenetic location: 22q13.31.
Variant type: single nucleotide variant.
Coding change: c.993C>G on transcript NM_018006.5 (MANE Select); coding-DNA position 993, C replaced by G.
Protein change: p.Phe331Leu; replaces phenylalanine 331 with leucine.
Molecular consequence: missense variant. On other transcripts: non-coding transcript variant (2).
Genome position (GRCh38, 1-based): chr22:46,355,563, C>G. VCF-style: chr22-46355563-C-G. GRCh37 (hg19) VCF-style: chr22-46751460-C-G.
Other names: c.*437C>G (NM_001008568.2); c.*531C>G (NM_001008570.2); c.651C>G, p.Phe217Leu (NM_001282782.2); c.573C>G, p.Phe191Leu (NM_001282783.2, NM_001282784.2); c.993C>G, p.Phe331Leu (NM_001282785.2); short protein forms F191L, F217L, F331L.
Identifiers: ClinVar variation 2634881 (VCV002634881.2), dbSNP rs774830090, ClinGen allele CA10292337.